The following is an entry in ClinVar:

ClinVar aggregate classification (germline): Uncertain significance (1 of 4 stars; one submission).

Conditions:
CHARGE syndrome (CHARGE). Also called: Hittner Hirsch Kreh syndrome; CHARGE ASSOCIATION--COLOBOMA, HEART ANOMALY, CHOANAL ATRESIA, RETARDATION, GENITAL AND EAR ANOMALIES; Coloboma, heart anomaly, choanal atresia, retardation, genital and ear anomalies; CHARGE association; Hall-Hittner syndrome. Identifiers: Orphanet 138, MedGen C0265354, MONDO:0008965.

Allele frequency attached by ClinVar (database versions not stated): gnomAD 0.00001; TOPMed 0.00001.
gnomAD v4.1: 3 of 1,612,158 alleles (0.00019%); highest among the groups gnomAD compares: Non-Finnish European, 0.00025%; no homozygotes.

Submission:

Labcorp Genetics (formerly Invitae), Labcorp
Classification: Uncertain significance for CHARGE syndrome. Last evaluated: 2024-07-02. Review status: criteria provided, single submitter. Criteria: Invitae Variant Classification Sherloc (09022015). Collection method: clinical testing. Allele origin: germline.
Comment: This sequence change replaces alanine, which is neutral and non-polar, with valine, which is neutral and non-polar, at codon 2539 of the CHD7 protein (p.Ala2539Val). This variant is not present in population databases (gnomAD no frequency). This variant has not been reported in the literature in individuals affected with CHD7-related conditions. ClinVar contains an entry for this variant (Variation ID: 1910256). Advanced modeling of protein sequence and biophysical properties (such as structural, functional, and spatial information, amino acid conservation, physicochemical variation, residue mobility, and thermodynamic stability) performed at Invitae indicates that this missense variant is not expected to disrupt CHD7 protein function with a negative predictive value of 95%. In summary, the available evidence is currently insufficient to determine the role of this variant in disease. Therefore, it has been classified as a Variant of Uncertain Significance.

NM_017780.4(CHD7):c.7616C>T (p.Ala2539Val)

Gene: CHD7 (chromodomain helicase DNA binding protein 7; plus strand). Cytogenetic location: 8q12.2.
Variant type: single nucleotide variant.
Coding change: c.7616C>T on transcript NM_017780.4 (MANE Select); coding-DNA position 7616, C replaced by T.
Protein change: p.Ala2539Val; replaces alanine 2539 with valine.
Molecular consequence: missense variant. On other transcripts: intron variant (1).
Genome position (GRCh38, 1-based): chr8:60,860,911, C>T. VCF-style: chr8-60860911-C-T. GRCh37 (hg19) VCF-style: chr8-61773470-C-T.
Other names: c.1717-1318C>T (NM_001316690.1); short protein forms A2539V.
Identifiers: ClinVar variation 1910256 (VCV001910256.5), dbSNP rs986284106, ClinGen allele CA177325465.